The following is an entry in ClinVar:

NM_000038.6(APC):c.645+2532T>G

Gene: APC (APC regulator of WNT signaling pathway; plus strand). Cytogenetic location: 5q22.2.
Variant type: single nucleotide variant.
Coding change: c.645+2532T>G on transcript NM_000038.6 (MANE Select); 2532 bases into the intron after coding-DNA position 645, T replaced by G.
Molecular consequence: intron variant.
Genome position (GRCh38, 1-based): chr5:112,783,435, T>G. VCF-style: chr5-112783435-T-G. GRCh37 (hg19) VCF-style: chr5-112119132-T-G.
Other names: c.645+2532T>G (NM_001354895.2, NM_001127510.3, NM_001354896.2 and 2 more transcripts); c.675+2532T>G (NM_001354897.2, NM_001354902.2, NM_001127511.3); c.570+2532T>G (NM_001354898.2, NM_001354904.2); c.-391+2532T>G (NM_001354906.2); c.468+2532T>G (NM_001354900.2, NM_001354901.2, NM_001354905.2).
Identifiers: ClinVar variation 82951 (VCV000082951.2), dbSNP rs76061636, ClinGen allele CA011307.
Genomic context (GRCh38, chr5:112,783,435, plus strand): 5'-TATATGAAGGTTAAGGTTAAAGAAATTGTAAACAAGATAAAAAGGCAAATAATGGAAATG[T>G]TGGTAGAATATATAAGAGATTTAATATCCCTACTCTACAAGGATCACCTACAAATCAATT-3'

ClinVar aggregate classification (germline): other (0 of 4 stars; one submission).

Conditions:
Familial colorectal cancer. Identifiers: MedGen CN280943, MONDO:0023113. Disease mechanism: loss of function.

Allele frequency attached by ClinVar (database versions not stated): gnomAD 0.04359 and 0.04593; TOPMed 0.05004; 1000 Genomes Project 0.06210; 1000 Genomes Project 30x 0.06309.
gnomAD v4.1: 6,567 of 152,064 alleles (4.3%); highest among the groups gnomAD compares: African/African-American, 14%; 386 homozygotes.

Submission:

Systems Biology Platform Zhejiang California International NanoSystems Institute
Classification: other for Familial colorectal cancer. Review status: no assertion criteria provided. Collection method: not provided. Allele origin: unknown.
ClinVar note: Converted during submission from cancer to other.